The following is an entry in ClinVar:

NM_032108.4(SEMA6B):c.2477C>T (p.Thr826Met)

Gene: SEMA6B (semaphorin 6B; minus strand). Cytogenetic location: 19p13.3.
Variant type: single nucleotide variant.
Coding change: c.2477C>T on transcript NM_032108.4 (MANE Select); coding-DNA position 2477, C replaced by T.
Protein change: p.Thr826Met; replaces threonine 826 with methionine.
Molecular consequence: missense variant.
Genome position (GRCh38, 1-based): chr19:4,543,791, G>A on the plus strand (C>T on the coding strand, the complement: SEMA6B is on the minus strand). VCF-style: chr19-4543791-G-A. GRCh37 (hg19) VCF-style: chr19-4543803-G-A.
Other names: short protein forms T826M.
Identifiers: ClinVar variation 2629489 (VCV002629489.1), dbSNP rs1478740739, ClinGen allele CA403460415.

ClinVar aggregate classification (germline): Uncertain significance (1 of 4 stars; one submission).

Conditions:
SEMA6B-related disorder. Also called: SEMA6B-related condition.

Allele frequency attached by ClinVar (database versions not stated): gnomAD exomes below 0.00001; gnomAD 0.00002; TOPMed 0.00002.
gnomAD v4.1: 5 of 1,220,588 alleles (0.00041%); highest among the groups gnomAD compares: Admixed American, 0.0043%; no homozygotes.

Submission:

PreventionGenetics, part of Exact Sciences
Classification: Uncertain significance for SEMA6B-related condition. Last evaluated: 2023-04-18. Review status: criteria provided, single submitter. Criteria: ACMG Guidelines, 2015. Collection method: clinical testing. Allele origin: germline.
Comment: The SEMA6B c.2477C>T variant is predicted to result in the amino acid substitution p.Thr826Met. To our knowledge, this variant has not been reported in the literature or in a large population database, indicating this variant is rare. At this time, the clinical significance of this variant is uncertain due to the absence of conclusive functional and genetic evidence.